The following is an entry in ClinVar:

ClinVar aggregate classification (germline): Uncertain significance. Review status: criteria provided, multiple submitters, no conflicts (2 of 4 stars). 2 submissions from 2 submitters: Uncertain significance (2). Last evaluated 2022-07-15.

Conditions:
Primary dilated cardiomyopathy (DCM). Also called: Dilated Cardiomyopathy. Identifiers: Orphanet 217604, MedGen C0007193, MeSH D002311, MONDO:0005021, HP:0001644. Inheritance: Various modes of inheritance.

Submissions (2):

Blueprint Genetics
Classification: Uncertain significance. Last evaluated: 2022-07-15. Review status: criteria provided, single submitter. Criteria: ACMG Guidelines, 2015. Collection method: clinical testing. Allele origin: germline.

Victorian Clinical Genetics Services, Murdoch Childrens Research Institute
Classification: Uncertain significance for Primary dilated cardiomyopathy. Last evaluated: 2022-02-02. Review status: criteria provided, single submitter. Criteria: ACMG Guidelines, 2015. Collection method: clinical testing. Allele origin: germline. Inheritance: Autosomal dominant inheritance. Affected: yes.
Comment: Based on the classification scheme VCGS_Germline_v1.3.4, this variant is classified as VUS-3B. Following criteria are met: 0103 - Loss of function and gain of function are known mechanisms of disease in this gene. Loss of function is the established mechanism of disease for variants in dilated cardiomyopathy, hypertrophic cardiomyopathy, restrictive cardiomyopathy (MIM#617047) and myofibrillar myopathy (MIM#609524). In distal myopathy (MIM#614065), NMD-predicted variants cause a loss of function, however missense variants have been shown to result in a toxic gain of function (PMID:32112656). (I) 0107 - This gene is associated with autosomal dominant disease. Variants located throughout the gene that are predicted to result in nonsense-mediated decay (NMD) are enriched in dilated cardiomyopathy, whereas missense variants in the ROD2 domain are enriched in hypertrophic cardiomyopathy and restrictive cardiomyopathy (MIM#617047). Additionally, myofibrillar myopathy (MIM#609524) is known to result from either missense variants in the ROD2 domain or truncating variants in the Ig-like domain 24, while missense variants in the actin-binding domain and NMD-predicted variants located in the Ig-like domain 15 and have been reported for distal myopathy (MIM#614065) (PMID:32112656). (I) 0200 - Variant is predicted to result in a missense amino acid change from serine to asparagine. (I) 0251 - This variant is heterozygous. (I) 0301 - Variant is absent from gnomAD (both v2 and v3). (SP) 0309 - Two alternative amino acid changes at the same position have been observed in gnomAD (v2) (1 heterozygote, 0 homozygotes). (I) 0503 - Missense variant consistently predicted to be tolerated by multiple in silico tools or not conserved in placental mammals with a minor amino acid change. (SB) 0600 - Variant is located in the annotated calponin homology (CH) 1 domain (UniProt, NCBI). (I) 0705 - No comparable missense variants have previous evidence for pathogenicity. A non-comparable missense variant, p.(Ser78Arg) has been reported as VUS in ClinVar. (I) 0807 - This variant has no previous evidence of pathogenicity. (I) 0905 - No published segregation evidence has been identified for this variant. (I) 1007 - No published functional evidence has been identified for this variant. (I) 1208 - Inheritance information for this variant is not currently available in this individual. (I) Legend: (SP) - Supporting pathogenic, (I) - Information, (SB) - Supporting benign

Literature cited by the submitters: PubMed 32112656 (cited by Victorian Clinical Genetics Services, Murdoch Childrens Research Institute).

NM_001458.5(FLNC):c.233G>A (p.Ser78Asn)

Gene: FLNC (filamin C; plus strand). Cytogenetic location: 7q32.1.
Variant type: single nucleotide variant.
Coding change: c.233G>A on transcript NM_001458.5 (MANE Select); coding-DNA position 233, G replaced by A.
Protein change: p.Ser78Asn; replaces serine 78 with asparagine.
Molecular consequence: missense variant.
Genome position (GRCh38, 1-based): chr7:128,830,870, G>A. VCF-style: chr7-128830870-G-A. GRCh37 (hg19) VCF-style: chr7-128470924-G-A.
Other names: c.233G>A, p.Ser78Asn (NM_001127487.2); short protein forms S78N.
Identifiers: ClinVar variation 1699244 (VCV001699244.4), dbSNP rs2128932201, ClinGen allele CA369216498.
Genomic context (GRCh38, chr7:128,830,870, plus strand): 5'-CCGACCTGCAGCGCGACCTCAGCGACGGGCTCCGGCTCATCGCGCTGCTCGAGGTGCTCA[G>A]CCAGAAGCGCATGTACCGCAAGTTCCATCCGCGCCCCAACTTCCGCCAAATGAAGCTGGA-3'
Protein context (NP_001449.3, residues 68-88): LRLIALLEVL[Ser78Asn]QKRMYRKFHP